The following is an entry in ClinVar:

NM_006767.4(LZTR1):c.2262C>G (p.Asn754Lys)

Gene: LZTR1 (leucine zipper like post translational regulator 1; plus strand). Cytogenetic location: 22q11.21.
Variant type: single nucleotide variant.
Coding change: c.2262C>G on transcript NM_006767.4 (MANE Select); coding-DNA position 2262, C replaced by G.
Protein change: p.Asn754Lys; replaces asparagine 754 with lysine.
Molecular consequence: missense variant.
Genome position (GRCh38, 1-based): chr22:20,996,738, C>G. VCF-style: chr22-20996738-C-G. GRCh37 (hg19) VCF-style: chr22-21351027-C-G.
Other names: short protein forms N754K.
Identifiers: ClinVar variation 3869351 (VCV003869351.1).

ClinVar aggregate classification (germline): Uncertain significance (1 of 4 stars; one submission).

Conditions:
Cardiovascular phenotype. Identifiers: MedGen CN230736.
Hereditary cancer-predisposing syndrome. Also called: Tumor predisposition; Neoplastic Syndromes, Hereditary; Hereditary Cancer Syndrome; Hereditary neoplastic syndrome. Identifiers: Orphanet 140162, MedGen C0027672, MeSH D009386, MONDO:0015356.

Submission:

Ambry Genetics
Classification: Uncertain significance for Cardiovascular phenotype; Hereditary cancer-predisposing syndrome. Last evaluated: 2025-03-10. Review status: criteria provided, single submitter. Criteria: Ambry Variant Classification Scheme 2023. Collection method: clinical testing. Allele origin: germline.
Comment: The p.N754K variant (also known as c.2262C>G), located in coding exon 19 of the LZTR1 gene, results from a C to G substitution at nucleotide position 2262. The asparagine at codon 754 is replaced by lysine, an amino acid with similar properties. This amino acid position is conserved. In addition, this alteration is predicted to be tolerated by in silico analysis. Based on the available evidence, the clinical significance of this variant remains unclear.